The following is an entry in ClinVar:

NM_000488.4(SERPINC1):c.1218+7A>G

Gene: SERPINC1 (serpin family C member 1; minus strand). Cytogenetic location: 1q25.1.
Variant type: single nucleotide variant.
Coding change: c.1218+7A>G on transcript NM_000488.4 (MANE Select); 7 bases into the intron after coding-DNA position 1218, A replaced by G.
Molecular consequence: intron variant.
Genome position (GRCh38, 1-based): chr1:173,907,443, T>C on the plus strand (A>G on the coding strand, the complement: SERPINC1 is on the minus strand). VCF-style: chr1-173907443-T-C. GRCh37 (hg19) VCF-style: chr1-173876581-T-C.
Other names: c.1299+7A>G (NM_001386303.1); c.1002+7A>G (NM_001386306.1); c.1197+7A>G (NM_001386304.1); c.1161+7A>G (NM_001386305.1); c.1341+7A>G (NM_001386302.1); c.1074+7A>G (NM_001365052.2).
Identifiers: ClinVar variation 1116442 (VCV001116442.8), dbSNP rs899914657, ClinGen allele CA32779397.
Genomic context (GRCh38, chr1:173,907,443, plus strand): 5'-TCCACGTGTTCCTGCTGTTCATGCATCTCCTTTCTGTACCCTAAGAGAGTGGGGAAGGTG[T>C]ACTCACCTCAAGAAATGCCTTATGGAATGCATCTGAGACATAGAGGTCATCTCGGCCTTC-3'

ClinVar aggregate classification (germline): Likely benign. Review status: reviewed by expert panel (3 of 4 stars). 2 submissions from 2 submitters: Likely benign (1). 1 of the submissions does not count toward it. Last evaluated 2024-10-01.

Conditions:
Hereditary antithrombin deficiency (AT3D). Also called: Antithrombin deficiency; Antithrombin III deficiency; Thrombophilia due to antithrombin III deficiency; Reduced antithrombin III activity. Identifiers: Orphanet 82, MedGen C0272375, MONDO:0013144, OMIM 613118, HP:0001976.

Allele frequency attached by ClinVar (database versions not stated): gnomAD exomes below 0.00001 and 0.00003; gnomAD 0.00001; TOPMed 0.00002.
gnomAD v4.1: 43 of 1,601,984 alleles (0.0027%); highest among the groups gnomAD compares: Non-Finnish European, 0.0037%; no homozygotes.

Submissions (2):

Clingen Thrombosis Variant Curation Expert Panel, ClinGen
Classification: Likely benign for Hereditary antithrombin deficiency. Last evaluated: 2024-10-01. Review status: reviewed by expert panel. Criteria: ClinGen ACMG Specifications SERPINC1 V1.0.0. Collection method: curation. Allele origin: germline. Inheritance: Autosomal dominant inheritance.
Comment: The c.1218+7A>G (NM_000488.4) variant in SERPINC1 does not code for protein sequence. The variant is not predicted to cause a splicing impact (SpliceAI predicts no splicing impact) meeting BP4 and the nucleotide is weakly conserved with a PhyloP100 score of -0.157866, meeting BP7 criteria (PhyloP < 0.1). In summary, this variant meets criteria to be classified as likely benign. ACMG/AMP criteria applied, as specified by the Thrombosis Variant Curation Expert Panel for SERPINC1: BP4, BP7.

Labcorp Genetics (formerly Invitae), Labcorp
Classification: Likely benign for Hereditary antithrombin deficiency. Last evaluated: 2019-04-19. Review status: criteria provided, single submitter. Criteria: Invitae Variant Classification Sherloc (09022015). Collection method: clinical testing. Allele origin: germline. Not counted in ClinVar's aggregate classification.